The following is an entry in ClinVar:

ClinVar aggregate classification (germline): Conflicting classifications of pathogenicity. Review status: criteria provided, conflicting classifications (1 of 4 stars). 3 submissions from 3 submitters: Uncertain significance (2); Likely benign (1). Last evaluated 2025-08-14.

Conditions:
Inborn genetic diseases. Identifiers: MedGen C0950123, MeSH D030342.

Allele frequency attached by ClinVar (database versions not stated): gnomAD exomes 0.00002 and 0.00006; ExAC 0.00005; ESP Exome Variant Server 0.00015; 1000 Genomes Project 30x 0.00016; gnomAD 0.00019 and 0.00021; 1000 Genomes Project 0.00020; TOPMed 0.00021.
gnomAD v4.1: 51 of 1,614,182 alleles (0.0032%); highest among the groups gnomAD compares: African/African-American, 0.064%; no homozygotes.

Submissions (3):

Ambry Genetics
Classification: Uncertain significance for Inborn genetic diseases. Last evaluated: 2025-08-14. Review status: criteria provided, single submitter. Criteria: Ambry Variant Classification Scheme 2023. Collection method: clinical testing. Allele origin: germline.

Labcorp Genetics (formerly Invitae), Labcorp
Classification: Uncertain significance. Last evaluated: 2024-11-18. Review status: criteria provided, single submitter. Criteria: Invitae Variant Classification Sherloc (09022015). Collection method: clinical testing. Allele origin: germline.
Comment: This sequence change replaces asparagine, which is neutral and polar, with serine, which is neutral and polar, at codon 190 of the ADAMTS18 protein (p.Asn190Ser). This variant is present in population databases (rs148615839, gnomAD 0.05%), including at least one homozygous and/or hemizygous individual. This variant has not been reported in the literature in individuals affected with ADAMTS18-related conditions. ClinVar contains an entry for this variant (Variation ID: 1023673). An algorithm developed to predict the effect of missense changes on protein structure and function (PolyPhen-2) suggests that this variant¬†is likely to be tolerated. In summary, the available evidence is currently insufficient to determine the role of this variant in disease. Therefore, it has been classified as a Variant of Uncertain Significance.

Blueprint Genetics
Classification: Likely benign. Last evaluated: 2022-09-12. Review status: criteria provided, single submitter. Criteria: ACMG Guidelines, 2015. Collection method: clinical testing. Allele origin: germline.

NM_199355.4(ADAMTS18):c.569A>G (p.Asn190Ser)

Gene: ADAMTS18 (ADAM metallopeptidase with thrombospondin type 1 motif 18; minus strand). Cytogenetic location: 16q23.1.
Variant type: single nucleotide variant.
Coding change: c.569A>G on transcript NM_199355.4 (MANE Select); coding-DNA position 569, A replaced by G.
Protein change: p.Asn190Ser; replaces asparagine 190 with serine.
Molecular consequence: missense variant.
Genome position (GRCh38, 1-based): chr16:77,367,650, T>C on the plus strand (A>G on the coding strand, the complement: ADAMTS18 is on the minus strand). VCF-style: chr16-77367650-T-C. GRCh37 (hg19) VCF-style: chr16-77401547-T-C.
Other names: c.569A>G (NM_199355.2); c.49A>G, p.Thr17Ala (NM_001326358.2); short protein forms N190S, T17A.
Identifiers: ClinVar variation 1023673 (VCV001023673.7), dbSNP rs148615839, ClinGen allele CA8181632.